The following is an entry in ClinVar:

ClinVar aggregate classification (germline): Pathogenic (1 of 4 stars; one submission).

Conditions:
Intellectual developmental disorder, autosomal dominant 1. Also called: MBD5 Haploinsufficiency; Intellectual disability, autosomal dominant 1. Identifiers: Orphanet 228402, MedGen C1969562, MONDO:0007974, OMIM 156200.

Submission:

Labcorp Genetics (formerly Invitae), Labcorp
Classification: Pathogenic for Intellectual developmental disorder, autosomal dominant 1. Last evaluated: 2024-04-25. Review status: criteria provided, single submitter. Criteria: Invitae Variant Classification Sherloc (09022015). Collection method: clinical testing. Allele origin: germline.
Comment: This sequence change creates a premature translational stop signal (p.Gln943Hisfs*12) in the MBD5 gene. It is expected to result in an absent or disrupted protein product. Loss-of-function variants in MBD5 are known to be pathogenic (PMID: 23422940, 23587880). This variant is not present in population databases (gnomAD no frequency). This variant has not been reported in the literature in individuals affected with MBD5-related conditions. For these reasons, this variant has been classified as Pathogenic.

Literature cited by the submitters: PubMed 23422940; PubMed 23587880.

NM_001378120.1(MBD5):c.2829del (p.Gln943fs)

Gene: MBD5 (methyl-CpG binding domain protein 5; plus strand). Cytogenetic location: 2q23.1.
Variant type: Deletion.
Coding change: c.2829del on transcript NM_001378120.1 (MANE Select); coding-DNA position 2829, one base deleted (G; older notation c.2829delG).
Protein change: p.Gln943fs; shifts the reading frame from glutamine 943.
Molecular consequence: frameshift variant.
Genome position (GRCh38, 1-based): chr2:148,483,420, G deleted. VCF-style (leftmost placement, unchanged base first): chr2-148483419-AG-A. GRCh37 (hg19) VCF-style: chr2-149240988-AG-A.
Other names: c.2829del, p.Gln943fs (NM_018328.5); short protein forms Q943fs.
Identifiers: ClinVar variation 3650336 (VCV003650336.2).